The following is an entry in ClinVar:

ClinVar aggregate classification (germline): Benign/Likely benign. Review status: criteria provided, multiple submitters, no conflicts (2 of 4 stars). 11 submissions from 11 submitters: Benign (7); Likely benign (1). 3 of the submissions do not count toward it. Last evaluated 2026-02-04.

Conditions:
Charcot-Marie-Tooth disease. Also called: Charcot-Marie-Tooth Hereditary Neuropathy; Charcot-Marie-Tooth Neuropathy. Identifiers: Orphanet 166, MedGen C0007959, MONDO:0015626.
Charcot-Marie-Tooth disease type 4. Also called: Charcot-Marie-Tooth, Type 4; Charcot-Marie-Tooth disease, type IV. Identifiers: Orphanet 64749, MedGen C4082197, MONDO:0018995.
Charcot-Marie-Tooth disease type 4F. Also called: Charcot-Marie-Tooth disease, demyelinating, type 4F. Identifiers: Orphanet 99952, MedGen C3540453, MONDO:0013959, OMIM 614895.

Allele frequency attached by ClinVar (database versions not stated): 1000 Genomes Project 30x 0.09635; 1000 Genomes Project 0.09924; TOPMed 0.11845; gnomAD 0.12427; ESP Exome Variant Server 0.13317.
gnomAD v4.1: 271,469 of 1,613,640 alleles (17%); highest among the groups gnomAD compares: Non-Finnish European, 19%; 24,938 homozygotes.

Submissions (11):

Labcorp Genetics (formerly Invitae), Labcorp
Classification: Benign for Charcot-Marie-Tooth disease type 4. Last evaluated: 2026-02-04. Review status: criteria provided, single submitter. Criteria: Invitae Variant Classification Sherloc (09022015). Collection method: clinical testing. Allele origin: germline.

Blueprint Genetics
Classification: Likely benign. Last evaluated: 2024-11-28. Review status: criteria provided, single submitter. Criteria: ACMG Guidelines, 2015. Collection method: clinical testing. Allele origin: germline.

Illumina Laboratory Services, Illumina
Classification: Benign for Charcot-Marie-Tooth disease type 4F. Last evaluated: 2018-01-13. Review status: criteria provided, single submitter. Criteria: ICSL Variant Classification Criteria 13 December 2019. Collection method: clinical testing. Allele origin: germline.
Comment: This variant was observed in the ICSL laboratory as part of a predisposition screen in an ostensibly healthy population. It had not been previously curated by ICSL or reported in the Human Gene Mutation Database (HGMD: prior to June 1st, 2018), and was therefore a candidate for classification through an automated scoring system. Utilizing variant allele frequency, disease prevalence and penetrance estimates, and inheritance mode, an automated score was calculated to assess if this variant is too frequent to cause the disease. Based on the score and internal cut-off values, a variant classified as benign is not then subjected to further curation. The score for this variant resulted in a classification of benign for this disease.

Athena Diagnostics
Classification: Benign for Charcot-Marie-Tooth disease type 4F. Last evaluated: 2017-04-26. Review status: criteria provided, single submitter. Criteria: Athena Diagnostics Criteria. Collection method: clinical testing. Allele origin: germline.

Mayo Clinic Laboratories, Mayo Clinic
Classification: Benign. Last evaluated: 2016-03-01. Review status: criteria provided, single submitter. Criteria: ACMG Guidelines, 2015. Collection method: clinical testing. Allele origin: germline. Observed: 669 variant alleles.

GeneDx
Classification: Benign. Last evaluated: 2014-03-20. Review status: criteria provided, single submitter. Criteria: GeneDx Variant Classification (06012015). Collection method: clinical testing. Allele origin: germline. Affected: yes.
Comment: This variant is considered likely benign or benign based on one or more of the following criteria: it is a conservative change, it occurs at a poorly conserved position in the protein, it is predicted to be benign by multiple in silico algorithms, and/or has population frequency not consistent with disease.

Breakthrough Genomics
Classification: Benign. Review status: criteria provided, single submitter. Criteria: ACMG Guidelines, 2015. Collection method: not provided. Allele origin: germline. Inheritance: Autosomal recessive inheritance. Affected: yes.

Molecular Genetics Laboratory, London Health Sciences Centre
Classification: Benign for Charcot-Marie-Tooth disease. Review status: criteria provided, single submitter. Criteria: ACMG Guidelines, 2015. Collection method: clinical testing. Allele origin: germline. Affected: yes.

Clinical Genetics, Academic Medical Center
Classification: Benign. Review status: no assertion criteria provided. Collection method: clinical testing. Allele origin: germline. Affected: yes. Study: VKGL Data-share Consensus. Not counted in ClinVar's aggregate classification.

Diagnostic Laboratory, Department of Genetics, University Medical Center Groningen
Classification: Benign. Review status: no assertion criteria provided. Collection method: clinical testing. Allele origin: germline. Affected: yes. Study: VKGL Data-share Consensus. Not counted in ClinVar's aggregate classification.

Genetic Services Laboratory, University of Chicago
Classification: Likely benign for AllHighlyPenetrant. Review status: no assertion criteria provided. Collection method: clinical testing. Allele origin: germline. Inheritance: Autosomal recessive inheritance. Not counted in ClinVar's aggregate classification.
Comment: Likely benign based on allele frequency in 1000 Genomes Project or ESP global frequency and its presence in a patient with a rare or unrelated disease phenotype. NOT Sanger confirmed.

NM_181882.3(PRX):c.3248C>G (p.Pro1083Arg)

Gene: PRX (periaxin; minus strand). Cytogenetic location: 19q13.2.
Variant type: single nucleotide variant.
Coding change: c.3248C>G on transcript NM_181882.3 (MANE Select); coding-DNA position 3248, C replaced by G.
Protein change: p.Pro1083Arg; replaces proline 1083 with arginine.
Molecular consequence: missense variant. On other transcripts: 3 prime UTR variant (1).
Genome position (GRCh38, 1-based): chr19:40,395,104, G>C on the plus strand (C>G on the coding strand, the complement: PRX is on the minus strand). VCF-style: chr19-40395104-G-C. GRCh37 (hg19) VCF-style: chr19-40901011-G-C.
Other names: p.P1083R:CCG>CGG; c.*3453C>G (NM_020956.2); short protein forms P1083R.
Identifiers: ClinVar variation 130052 (VCV000130052.26), dbSNP rs3745202, ClinGen allele CA154809.